The following is an entry in ClinVar:

ClinVar aggregate classification (germline): Pathogenic (1 of 4 stars; one submission).

Conditions:
Cardiovascular phenotype. Identifiers: MedGen CN230736.

Submission:

Ambry Genetics
Classification: Pathogenic for Cardiovascular phenotype. Last evaluated: 2025-11-17. Review status: criteria provided, single submitter. Criteria: Ambry Variant Classification Scheme 2023. Collection method: clinical testing. Allele origin: germline.
Comment: The c.3090_3094delGGGTCinsCGG pathogenic mutation, located in coding exon 13 of the KCNH2 gene, results from the deletion of 5 nucleotides and insertion of 3 nucleotides causing a translational frameshift with a predicted alternate stop codon (p.R1032Afs*86). This alteration occurs at the 3' terminus of theKCNH2 gene and is not expected to trigger nonsense-mediated mRNA decay. However, premature stop codons are typically deleterious in nature, a significant portion (11%) of the protein is affected, and the impacted region is critical for protein function (Ambry internal data). This variant was reported in individual(s) with features consistent with long QT syndrome (Ambry internal data). This variant is considered to be rare based on population cohorts in the Genome Aggregation Database (gnomAD). Based on the supporting evidence, this alteration is interpreted as a disease-causing mutation.

NM_000238.4(KCNH2):c.3090_3094delinsCGG (p.Arg1032fs)

Gene: KCNH2 (potassium voltage-gated channel subfamily H member 2; minus strand). Cytogenetic location: 7q36.1.
Variant type: Indel.
Coding change: c.3090_3094delinsCGG on transcript NM_000238.4 (MANE Select); coding-DNA positions 3090 to 3094, GGGTC replaced by CGG.
Protein change: p.Arg1032fs; shifts the reading frame from arginine 1032.
Molecular consequence: frameshift variant. On other transcripts: non-coding transcript variant (2).
Genome position (GRCh38, 1-based): chr7:150,947,386-150,947,390, GACCC replaced by CCG on the plus strand (GGGTC replaced by CGG on the coding strand, the reverse complement: KCNH2 is on the minus strand). VCF-style: chr7-150947386-GACCC-CCG. GRCh37 (hg19) VCF-style: chr7-150644474-GACCC-CCG.
Other names: c.2802_2806delinsCGG, p.Arg936fs (NM_001406753.1); c.2070_2074delinsCGG, p.Arg692fs (NM_172057.3); short protein forms R1032fs, R936fs, R692fs.
Identifiers: ClinVar variation 4614356 (VCV004614356.1).